The following is an entry in ClinVar:

NM_000430.4(PAFAH1B1):c.287C>G (p.Pro96Arg)

Gene: PAFAH1B1 (platelet activating factor acetylhydrolase 1b regulatory subunit 1; plus strand). Cytogenetic location: 17p13.3.
Variant type: single nucleotide variant.
Coding change: c.287C>G on transcript NM_000430.4 (MANE Select); coding-DNA position 287, C replaced by G.
Protein change: p.Pro96Arg; replaces proline 96 with arginine.
Molecular consequence: missense variant.
Genome position (GRCh38, 1-based): chr17:2,667,086, C>G. VCF-style: chr17-2667086-C-G. GRCh37 (hg19) VCF-style: chr17-2570380-C-G.
Other names: short protein forms P96R.
Identifiers: ClinVar variation 1349442 (VCV001349442.7), dbSNP rs2151660984, ClinGen allele CA397638785.

ClinVar aggregate classification (germline): Likely pathogenic. Review status: criteria provided, single submitter (1 of 4 stars). 2 submissions from 2 submitters: Likely pathogenic (1). 1 of the submissions does not count toward it. Last evaluated 2021-10-11.

Conditions:
Abnormal cerebral morphology. Also called: Abnormality of the cerebrum. Identifiers: MedGen C4021762, HP:0002060.

Submissions (2):

Labcorp Genetics (formerly Invitae), Labcorp
Classification: Likely pathogenic. Last evaluated: 2021-10-11. Review status: criteria provided, single submitter. Criteria: Invitae Variant Classification Sherloc (09022015). Collection method: clinical testing. Allele origin: germline.
Comment: This variant is not present in population databases (ExAC no frequency). In summary, the currently available evidence indicates that the variant is pathogenic, but additional data are needed to prove that conclusively. Therefore, this variant has been classified as Likely Pathogenic. Algorithms developed to predict the effect of missense changes on protein structure and function are either unavailable or do not agree on the potential impact of this missense change (SIFT: "Deleterious"; PolyPhen-2: "Probably Damaging"; Align-GVGD: "Class C0"). This missense change has been observed in individual(s) with clinical features of lissencephaly (Invitae). In at least one individual the variant was observed to be de novo. This sequence change replaces proline with arginine at codon 96 of the PAFAH1B1 protein (p.Pro96Arg). The proline residue is highly conserved and there is a moderate physicochemical difference between proline and arginine.

Diagnostic Laboratory, Strasbourg University Hospital
Classification: Likely pathogenic for Abnormal cerebral morphology. Review status: no assertion criteria provided. Collection method: clinical testing. Allele origin: de novo. Affected: yes. Observed: 1 heterozygote. Not counted in ClinVar's aggregate classification.